The following is an entry in ClinVar:

NM_000294.3(PHKG2):c.633C>T (p.Gly211=)

Gene: PHKG2 (phosphorylase kinase catalytic subunit gamma 2; plus strand). Cytogenetic location: 16p11.2.
Variant type: single nucleotide variant.
Coding change: c.633C>T on transcript NM_000294.3 (MANE Select); coding-DNA position 633, C replaced by T.
Protein change: p.Gly211=; no amino-acid change (glycine 211 retained).
Molecular consequence: synonymous variant.
Genome position (GRCh38, 1-based): chr16:30,756,258, C>T. VCF-style: chr16-30756258-C-T. GRCh37 (hg19) VCF-style: chr16-30767579-C-T.
Other names: c.633C>T, p.Gly211= (NM_001172432.2).
Identifiers: ClinVar variation 5042492 (VCV005042492.1).

ClinVar aggregate classification (germline): Likely pathogenic (1 of 4 stars; one submission).

Conditions:
Glycogen storage disease. Also called: glycogen storage disorder; Disorder of glycogen metabolism. Identifiers: Orphanet 79201, MedGen C0017919, MONDO:0002412.

Submission:

Genetics Laboratory, Great Ormond Street Hospital NHS Foundation Trust, North Thames Genomic Laboratory Hub
Classification: Likely pathogenic for Glycogen storage disease. Last evaluated: 2026-09-09. Review status: criteria provided, single submitter. Criteria: ACGS Best Practice Guidelines for Variant Classification in Rare Disease 2024 v1.2. Collection method: clinical testing. Allele origin: germline. Affected: yes.
Comment: PM2_moderate, PP3_supporting, PM3_supporting, PP4_moderate